The following is an entry in ClinVar:

NM_000264.5(PTCH1):c.915del (p.Ala306fs)

Gene: PTCH1 (patched 1; minus strand). Cytogenetic location: 9q22.32.
Variant type: Deletion.
Coding change: c.915del on transcript NM_000264.5 (MANE Select); coding-DNA position 915, one base deleted (C; older notation c.915delC).
Protein change: p.Ala306fs; shifts the reading frame from alanine 306.
Molecular consequence: frameshift variant. On other transcripts: non-coding transcript variant (1).
Genome position (GRCh38, 1-based): chr9:95,480,420, G deleted on the plus strand (C on the coding strand, the reverse complement: PTCH1 is on the minus strand); the first of 4 consecutive G bases (chr9:95,480,420-95,480,423); deleting any one gives the same sequence. VCF-style (leftmost placement, unchanged base first): chr9-95480419-CG-C. GRCh37 (hg19) VCF-style: chr9-98242701-CG-C.
Other names: c.912del, p.Ala305fs (NM_001083603.3); c.462del, p.Ala155fs (NM_001083604.3, NM_001083605.3, NM_001083606.3 and 1 more transcripts); c.915del, p.Ala306fs (NM_001354918.2); c.717del, p.Ala240fs (NM_001083602.3); short protein forms A155fs, A240fs, A305fs, A306fs.
Identifiers: ClinVar variation 1076488 (VCV001076488.9), dbSNP rs2118413937, ClinGen allele CA2499220080.

ClinVar aggregate classification (germline): Pathogenic (1 of 4 stars; one submission).

Conditions:
Gorlin syndrome. Also called: Basal cell nevus syndrome; Nevoid Basal Cell Carcinoma Syndrome. Identifiers: Orphanet 377, MedGen C0004779, MONDO:0007187.

Submission:

Labcorp Genetics (formerly Invitae), Labcorp
Classification: Pathogenic for Gorlin syndrome. Last evaluated: 2020-05-04. Review status: criteria provided, single submitter. Criteria: Invitae Variant Classification Sherloc (09022015). Collection method: clinical testing. Allele origin: germline.
Comment: For these reasons, this variant has been classified as Pathogenic. Loss-of-function variants in PTCH1 are known to be pathogenic (PMID: 16301862, 16419085). This variant has been observed in individual(s) with basal cell nevus syndrome (PMID: 12655573). This variant is also known as 900delC and c.912delC in the literature. This variant is not present in population databases (ExAC no frequency). This sequence change creates a premature translational stop signal (p.Ala306Profs*18) in the PTCH1 gene. It is expected to result in an absent or disrupted protein product.

Literature cited by the submitters: PubMed 16301862; PubMed 16419085; PubMed 12655573.